The following is an entry in ClinVar:

ClinVar aggregate classification (germline): Uncertain significance (1 of 4 stars; one submission).

Conditions:
Intellectual developmental disorder with autism and macrocephaly. Also called: Autism, susceptibility to, 18; CHD8-Related Neurodevelopmental Disorder with Overgrowth. Identifiers: Orphanet 642675, MedGen C3554373, MONDO:0014017, OMIM 615032.

Submission:

Clinical Genomics Laboratory, Washington University in St. Louis
Classification: Uncertain significance for Intellectual developmental disorder with autism and macrocephaly. Last evaluated: 2025-05-12. Review status: criteria provided, single submitter. Criteria: ACMG Guidelines, 2015. Collection method: clinical testing. Allele origin: germline.
Comment: The CHD8 c.3461T>C (p.Ile1154Thr) variant, to our knowledge, has not been reported in the medical literature. This variant is absent from the general population (gnomAD v.2.1.1), indicating it is not a common variant. Computational predictors indicate that the variant is damaging, evidence that correlates with impact on CHD8 function. Due to limited information, and based on ACMG/AMP guidelines for variant interpretation (Richards S et al., PMID: 25741868), the clinical significance of this variant is uncertain at this time.

NM_001170629.2(CHD8):c.3461T>C (p.Ile1154Thr)

Gene: CHD8 (chromodomain helicase DNA binding protein 8; minus strand). Cytogenetic location: 14q11.2.
Variant type: single nucleotide variant.
Coding change: c.3461T>C on transcript NM_001170629.2 (MANE Select); coding-DNA position 3461, T replaced by C.
Protein change: p.Ile1154Thr; replaces isoleucine 1154 with threonine.
Molecular consequence: missense variant.
Genome position (GRCh38, 1-based): chr14:21,403,510, A>G on the plus strand (T>C on the coding strand, the complement: CHD8 is on the minus strand). VCF-style: chr14-21403510-A-G. GRCh37 (hg19) VCF-style: chr14-21871669-A-G.
Other names: c.2624T>C, p.Ile875Thr (NM_020920.4); short protein forms I1154T, I875T.
Identifiers: ClinVar variation 4279767 (VCV004279767.1).